The following is an entry in ClinVar:

NM_000038.6(APC):c.483A>C (p.Gln161His)

Gene: APC (APC regulator of Wnt signaling pathway; plus strand). Cytogenetic location: 5q22.2.
Variant type: single nucleotide variant.
Coding change: c.483A>C on transcript NM_000038.6 (MANE Select); coding-DNA position 483, A replaced by C.
Protein change: p.Gln161His; replaces glutamine 161 with histidine.
Molecular consequence: missense variant. On other transcripts: 5 prime UTR variant (1).
Genome position (GRCh38, 1-based): chr5:112,775,689, A>C. VCF-style: chr5-112775689-A-C. GRCh37 (hg19) VCF-style: chr5-112111386-A-C.
Other names: c.483A>C, p.Gln161His (NM_001127510.3, NM_001354895.2, NM_001354896.2 and 16 more transcripts); c.513A>C, p.Gln171His (NM_001127511.3, NM_001354897.2, NM_001354902.2 and 1 more transcripts); c.408A>C, p.Gln136His (NM_001354898.2, NM_001354904.2, NM_001407451.1); c.306A>C, p.Gln102His (NM_001354900.2, NM_001354901.2, NM_001354905.2 and 1 more transcripts); c.-553A>C (NM_001354906.2, NM_001407470.1, NM_001407471.1 and 1 more transcripts); short protein forms Q136H, Q102H, Q161H, Q171H.
Identifiers: ClinVar variation 1743466 (VCV001743466.2), dbSNP rs1554071578, ClinGen allele CA16022379.

ClinVar aggregate classification (germline): Uncertain significance (1 of 4 stars; one submission).

Conditions:
Hereditary cancer-predisposing syndrome. Also called: Hereditary Cancer Syndrome; Neoplastic Syndromes, Hereditary; Tumor predisposition; Hereditary neoplastic syndrome. Identifiers: Orphanet 140162, MedGen C0027672, MeSH D009386, MONDO:0015356.

Submission:

Ambry Genetics
Classification: Uncertain significance for Hereditary cancer-predisposing syndrome. Last evaluated: 2021-09-08. Review status: criteria provided, single submitter. Criteria: Ambry Variant Classification Scheme 2023. Collection method: clinical testing. Allele origin: germline.
Comment: The p.Q161H variant (also known as c.483A>C), located in coding exon 4 of the APC gene, results from an A to C substitution at nucleotide position 483. The glutamine at codon 161 is replaced by histidine, an amino acid with highly similar properties. This amino acid position is highly conserved in available vertebrate species. In addition, in silico predictors for this gene do not accurately predict pathogenicity. Since supporting evidence is limited at this time, the clinical significance of this alteration remains unclear.